The following is an entry in ClinVar:

NM_014159.7(SETD2):c.1166A>G (p.Tyr389Cys)

Gene: SETD2 (SET domain containing 2, histone lysine methyltransferase; minus strand). Cytogenetic location: 3p21.31.
Variant type: single nucleotide variant.
Coding change: c.1166A>G on transcript NM_014159.7 (MANE Select); coding-DNA position 1166, A replaced by G.
Protein change: p.Tyr389Cys; replaces tyrosine 389 with cysteine.
Molecular consequence: missense variant. On other transcripts: non-coding transcript variant (1).
Genome position (GRCh38, 1-based): chr3:47,123,470, T>C on the plus strand (A>G on the coding strand, the complement: SETD2 is on the minus strand). VCF-style: chr3-47123470-T-C. GRCh37 (hg19) VCF-style: chr3-47164960-T-C.
Other names: c.1034A>G, p.Tyr345Cys (NM_001349370.3); short protein forms Y345C, Y389C.
Identifiers: ClinVar variation 1313783 (VCV001313783.2), dbSNP rs2043191929, ClinGen allele CA352531800.

ClinVar aggregate classification (germline): Uncertain significance (1 of 4 stars; one submission).

Allele frequency attached by ClinVar (database versions not stated): gnomAD exomes below 0.00001; gnomAD 0.00001.
gnomAD v4.1: 3 of 1,551,136 alleles (0.00019%); highest among the groups gnomAD compares: Non-Finnish European, 0.00026%; no homozygotes.

Submission:

GeneDx
Classification: Uncertain significance. Last evaluated: 2020-01-21. Review status: criteria provided, single submitter. Criteria: GeneDx Variant Classification Process June 2021. Collection method: clinical testing. Allele origin: germline. Affected: yes.
Comment: Not observed in large population cohorts (Lek et al., 2016); In silico analysis, which includes protein predictors and evolutionary conservation, supports a deleterious effect; Has not been previously published as pathogenic or benign to our knowledge